The following is an entry in ClinVar:

ClinVar aggregate classification (germline): Uncertain significance. Review status: criteria provided, multiple submitters, no conflicts (2 of 4 stars). 2 submissions from 2 submitters: Uncertain significance (2). Last evaluated 2024-09-18.

Conditions:
Idiopathic Pulmonary Fibrosis. Also called: Idiopathic fibrosing alveolitis, chronic form; idiopathic fibrosing alveolitis. Identifiers: Orphanet 2032, MedGen C1800706, MeSH D054990, MONDO:0800504.
Dyskeratosis congenita, autosomal dominant 2. Identifiers: MedGen C3151443, MONDO:0013521, OMIM 613989.
Dyskeratosis congenita. Identifiers: Orphanet 1775, MedGen C0265965, MONDO:0015780.

Submissions (2):

Labcorp Genetics (formerly Invitae), Labcorp
Classification: Uncertain significance for Dyskeratosis congenita, autosomal dominant 2; Idiopathic Pulmonary Fibrosis. Last evaluated: 2024-09-18. Review status: criteria provided, single submitter. Criteria: Invitae Variant Classification Sherloc (09022015). Collection method: clinical testing. Allele origin: germline.
Comment: This sequence change replaces arginine, which is basic and polar, with cysteine, which is neutral and slightly polar, at codon 315 of the TERT protein (p.Arg315Cys). This variant is not present in population databases (gnomAD no frequency). This variant has not been reported in the literature in individuals affected with TERT-related conditions. ClinVar contains an entry for this variant (Variation ID: 1499513). Invitae Evidence Modeling of protein sequence and biophysical properties (such as structural, functional, and spatial information, amino acid conservation, physicochemical variation, residue mobility, and thermodynamic stability) has been performed for this missense variant. However, the output from this modeling did not meet the statistical confidence thresholds required to predict the impact of this variant on TERT protein function. In summary, the available evidence is currently insufficient to determine the role of this variant in disease. Therefore, it has been classified as a Variant of Uncertain Significance.

Ambry Genetics
Classification: Uncertain significance for Dyskeratosis congenita. Last evaluated: 2023-08-25. Review status: criteria provided, single submitter. Criteria: Ambry Variant Classification Scheme 2023. Collection method: clinical testing. Allele origin: germline.
Comment: The p.R315C variant (also known as c.943C>T), located in coding exon 2 of the TERT gene, results from a C to T substitution at nucleotide position 943. The arginine at codon 315 is replaced by cysteine, an amino acid with highly dissimilar properties. This amino acid position is conserved. In addition, the in silico prediction for this alteration is inconclusive. Since supporting evidence is limited at this time, the clinical significance of this alteration remains unclear.

NM_198253.3(TERT):c.943C>T (p.Arg315Cys)

Gene: TERT (telomerase reverse transcriptase; minus strand). Cytogenetic location: 5p15.33.
Variant type: single nucleotide variant.
Coding change: c.943C>T on transcript NM_198253.3 (MANE Select); coding-DNA position 943, C replaced by T.
Protein change: p.Arg315Cys; replaces arginine 315 with cysteine.
Molecular consequence: missense variant. On other transcripts: non-coding transcript variant (2).
Genome position (GRCh38, 1-based): chr5:1,293,943, G>A on the plus strand (C>T on the coding strand, the complement: TERT is on the minus strand). VCF-style: chr5-1293943-G-A. GRCh37 (hg19) VCF-style: chr5-1294058-G-A.
Other names: c.943C>T, p.Arg315Cys (NM_001193376.3); c.943C>T (NM_198253.2); short protein forms R315C.
Identifiers: ClinVar variation 1499513 (VCV001499513.8), dbSNP rs1554042911, ClinGen allele CA359056109.